The following is an entry in ClinVar:

NM_001365276.2(TNXB):c.6274C>G (p.Pro2092Ala)

Gene: TNXB (tenascin XB; minus strand). Cytogenetic location: 6p21.33.
Variant type: single nucleotide variant.
Coding change: c.6274C>G on transcript NM_001365276.2 (MANE Select); coding-DNA position 6274, C replaced by G.
Protein change: p.Pro2092Ala; replaces proline 2092 with alanine.
Molecular consequence: missense variant.
Genome position (GRCh38, 1-based): chr6:32,067,931, G>C on the plus strand (C>G on the coding strand, the complement: TNXB is on the minus strand). VCF-style: chr6-32067931-G-C. GRCh37 (hg19) VCF-style: chr6-32035708-G-C.
Other names: c.6274C>G, p.Pro2092Ala (NM_019105.8); short protein forms P2092A.
Identifiers: ClinVar variation 1752558 (VCV001752558.2), dbSNP rs1778490581, ClinGen allele CA363400970.

ClinVar aggregate classification (germline): Uncertain significance (1 of 4 stars; one submission).

Conditions:
Cardiovascular phenotype. Identifiers: MedGen CN230736.

Submission:

Ambry Genetics
Classification: Uncertain significance for Cardiovascular phenotype. Last evaluated: 2022-10-21. Review status: criteria provided, single submitter. Criteria: Ambry Variant Classification Scheme 2023. Collection method: clinical testing. Allele origin: germline.
Comment: The p.P2092A variant (also known as c.6274C>G), located in coding exon 17 of the TNXB gene, results from a C to G substitution at nucleotide position 6274. The proline at codon 2092 is replaced by alanine, an amino acid with highly similar properties. This amino acid position is conserved. In addition, this alteration is predicted to be tolerated by in silico analysis. Since supporting evidence is limited at this time, the clinical significance of this alteration remains unclear.